The following is an entry in ClinVar:

NM_000142.5(FGFR3):c.2035T>G (p.Ser679Ala)

Gene: FGFR3 (fibroblast growth factor receptor 3; plus strand). Cytogenetic location: 4p16.3.
Variant type: single nucleotide variant.
Coding change: c.2035T>G on transcript NM_000142.5 (MANE Select); coding-DNA position 2035, T replaced by G.
Protein change: p.Ser679Ala; replaces serine 679 with alanine.
Molecular consequence: missense variant. On other transcripts: non-coding transcript variant (1).
Genome position (GRCh38, 1-based): chr4:1,806,550, T>G. VCF-style: chr4-1806550-T-G. GRCh37 (hg19) VCF-style: chr4-1808277-T-G.
Other names: c.2041T>G, p.Ser681Ala (NM_001163213.2); c.2038T>G, p.Ser680Ala (NM_001354809.2); c.1967T>G, p.Val656Gly (NM_001354810.2); c.1699T>G, p.Ser567Ala (NM_022965.4); short protein forms S567A, S679A, S680A, S681A, V656G.
Identifiers: ClinVar variation 1680122 (VCV001680122.6), dbSNP rs769602256, ClinGen allele CA2810709.
Genomic context (GRCh38, chr4:1,806,550, plus strand): 5'-GCCCAGGTGTCTGTCCTGGGAGTCTCAGGACAGCCTGACCTCACCTTCCCCTGCAGCTGG[T>G]CCTTTGGGGTCCTGCTCTGGGAGATCTTCACGCTGGGGGGCTCCCCGTACCCCGGCATCC-3'
Protein context (NP_000133.1, residues 669-689): RVYTHQSDVW[Ser679Ala]FGVLLWEIFT

ClinVar aggregate classification (germline): Uncertain significance (1 of 4 stars; one submission).

Allele frequency attached by ClinVar (database versions not stated): gnomAD exomes below 0.00001 and 0.00001; ExAC 0.00001.
gnomAD v4.1: 2 of 1,612,984 alleles (0.00012%); highest among the groups gnomAD compares: Admixed American, 0.0033%; no homozygotes.

Submission:

Labcorp Genetics (formerly Invitae), Labcorp
Classification: Uncertain significance. Last evaluated: 2022-08-09. Review status: criteria provided, single submitter. Criteria: Invitae Variant Classification Sherloc (09022015). Collection method: clinical testing. Allele origin: germline.
Comment: Algorithms developed to predict the effect of missense changes on protein structure and function are either unavailable or do not agree on the potential impact of this missense change (SIFT: "Deleterious"; PolyPhen-2: "Possibly Damaging"; Align-GVGD: "Class C0"). In summary, the available evidence is currently insufficient to determine the role of this variant in disease. Therefore, it has been classified as a Variant of Uncertain Significance. ClinVar contains an entry for this variant (Variation ID: 1680122). This variant has not been reported in the literature in individuals affected with FGFR3-related conditions. This variant is present in population databases (rs769602256, gnomAD 0.006%). This sequence change replaces serine, which is neutral and polar, with alanine, which is neutral and non-polar, at codon 679 of the FGFR3 protein (p.Ser679Ala).